The following is an entry in ClinVar:

NM_001256012.3(MYH10):c.5858G>C (p.Ser1953Thr)

Genes: MYH10 (myosin heavy chain 10; minus strand), LOC125177414 (Sharpr-MPRA regulatory region 9669; plus strand). Cytogenetic location: 17p13.1.
Variant type: single nucleotide variant.
Coding change: c.5858G>C on transcript NM_001256012.3 (MANE Select); coding-DNA position 5858, G replaced by C.
Protein change: p.Ser1953Thr; replaces serine 1953 with threonine.
Molecular consequence: missense variant.
Genome position (GRCh38, 1-based): chr17:8,476,897, C>G on the plus strand (G>C on the coding strand, the complement: MYH10 is on the minus strand). VCF-style: chr17-8476897-C-G. GRCh37 (hg19) VCF-style: chr17-8380215-C-G.
Other names: c.5792G>C, p.Ser1931Thr (NM_001256095.2); c.5795G>C, p.Ser1932Thr (NM_001375266.1); c.5765G>C, p.Ser1922Thr (NM_005964.5); short protein forms S1922T, S1931T, S1932T, S1953T.
Identifiers: ClinVar variation 2576873 (VCV002576873.1), dbSNP rs2544153714, ClinGen allele CA398039695.

ClinVar aggregate classification (germline): Uncertain significance (1 of 4 stars; one submission).

Submission:

GeneDx
Classification: Uncertain significance. Last evaluated: 2023-02-16. Review status: criteria provided, single submitter. Criteria: GeneDx Variant Classification Process June 2021. Collection method: clinical testing. Allele origin: germline. Affected: yes.
Comment: Not observed at significant frequency in large population cohorts (gnomAD); In silico analysis supports that this missense variant does not alter protein structure/function; Has not been previously published as pathogenic or benign to our knowledge